The following is an entry in ClinVar:

ClinVar aggregate classification (germline): Uncertain significance (1 of 4 stars; one submission).

Submission:

Labcorp Genetics (formerly Invitae), Labcorp
Classification: Uncertain significance. Last evaluated: 2022-11-27. Review status: criteria provided, single submitter. Criteria: Invitae Variant Classification Sherloc (09022015). Collection method: clinical testing. Allele origin: germline.
Comment: In summary, the available evidence is currently insufficient to determine the role of this variant in disease. Therefore, it has been classified as a Variant of Uncertain Significance. This sequence change affects codon 75 of the NTHL1 mRNA. It is a 'silent' change, meaning that it does not change the encoded amino acid sequence of the NTHL1 protein. This variant is not present in population databases (gnomAD no frequency). This variant has not been reported in the literature in individuals affected with NTHL1-related conditions. Algorithms developed to predict the effect of sequence changes on RNA splicing suggest that this variant may disrupt the consensus splice site.

NM_002528.7(NTHL1):c.201A>G (p.Lys67=)

Gene: NTHL1 (nth like DNA glycosylase 1; minus strand). Cytogenetic location: 16p13.3.
Variant type: single nucleotide variant.
Coding change: c.201A>G on transcript NM_002528.7 (MANE Select); coding-DNA position 201, A replaced by G.
Protein change: p.Lys67=; no amino-acid change (lysine 67 retained).
Molecular consequence: synonymous variant. On other transcripts: missense variant (1).
Genome position (GRCh38, 1-based): chr16:2,046,281, T>C on the plus strand (A>G on the coding strand, the complement: NTHL1 is on the minus strand). VCF-style: chr16-2046281-T-C. GRCh37 (hg19) VCF-style: chr16-2096282-T-C.
Other names: c.23A>G, p.Lys8Arg (NM_001318194.2); c.201A>G, p.Lys67= (NM_001318193.2); short protein forms K8R.
Identifiers: ClinVar variation 2918327 (VCV002918327.3), dbSNP rs2084378720, ClinGen allele CA492953357.